The following is an entry in ClinVar:

ClinVar aggregate classification (germline): Uncertain significance (0 of 4 stars; one submission).

Conditions:
PCNT-related disorder. Also called: PCNT-related condition.

Submission:

PreventionGenetics, part of Exact Sciences
Classification: Uncertain significance for PCNT-related condition. Last evaluated: 2024-08-27. Review status: no assertion criteria provided. Collection method: clinical testing. Allele origin: germline.
Comment: The PCNT c.8258G>T variant is predicted to result in the amino acid substitution p.Arg2753Leu. To our knowledge, this variant has not been reported in the literature or in a large population database, indicating this variant is rare. At this time, the clinical significance of this variant is uncertain due to the absence of conclusive functional and genetic evidence.

NM_006031.6(PCNT):c.8258G>T (p.Arg2753Leu)

Gene: PCNT (pericentrin; plus strand). Cytogenetic location: 21q22.3.
Variant type: single nucleotide variant.
Coding change: c.8258G>T on transcript NM_006031.6 (MANE Select); coding-DNA position 8258, G replaced by T.
Protein change: p.Arg2753Leu; replaces arginine 2753 with leucine.
Molecular consequence: missense variant.
Genome position (GRCh38, 1-based): chr21:46,431,722, G>T. VCF-style: chr21-46431722-G-T. GRCh37 (hg19) VCF-style: chr21-47851636-G-T.
Other names: c.7904G>T, p.Arg2635Leu (NM_001315529.2); short protein forms R2635L, R2753L.
Identifiers: ClinVar variation 3356548 (VCV003356548.1).
Genomic context (GRCh38, chr21:46,431,722, plus strand): 5'-TGGCTCAGGAGCGGAGCCAGCTCTCTGAGCTCCAGAAGGACCTTGCGGCTGAGAAGAGCC[G>T]CACCCTGGAGCTGTCAGAGGCCTTGCGGCACGAGCGGCTCCTGACCGAGCAGCTGAGCCA-3'
Protein context (NP_006022.3, residues 2743-2763): LQKDLAAEKS[Arg2753Leu]TLELSEALRH